The following is an entry in ClinVar:

NM_001283009.2(RTEL1):c.395+2T>G

Genes: RTEL1 (regulator of telomere elongation helicase 1; plus strand), RTEL1-TNFRSF6B (RTEL1-TNFRSF6B readthrough (NMD candidate); plus strand). Cytogenetic location: 20q13.33.
Variant type: single nucleotide variant.
Coding change: c.395+2T>G on transcript NM_001283009.2 (MANE Select); the canonical splice donor site of the intron after coding-DNA position 395, T replaced by G.
Molecular consequence: splice donor variant.
Genome position (GRCh38, 1-based): chr20:63,661,945, T>G. VCF-style: chr20-63661945-T-G. GRCh37 (hg19) VCF-style: chr20-62293298-T-G.
Other names: c.-275+2T>G (NM_001283010.1); c.395+2T>G (NM_032957.5, NM_016434.4).
Identifiers: ClinVar variation 3377300 (VCV003377300.1).
Genomic context (GRCh38, chr20:63,661,945, plus strand): 5'-TCCAGGACCCACTCGCAACTCACACAGGTCATCAACGAGCTTCGGAACACCTCCTACCGG[T>G]GGGTCAGACGAGTTTACACCTGTCTCGGGGTCCTCAAGAGAACCAGCTTGGCATGGTGCT-3'

ClinVar aggregate classification (germline): Likely pathogenic (1 of 4 stars; one submission).

Conditions:
Dyskeratosis congenita, autosomal recessive 5 (DKCB5). Identifiers: MedGen C3554656, MONDO:0014076, OMIM 615190.

Submission:

Victorian Clinical Genetics Services, Murdoch Childrens Research Institute
Classification: Likely pathogenic for Dyskeratosis congenita, autosomal recessive 5. Last evaluated: 2024-10-09. Review status: criteria provided, single submitter. Criteria: ACMG Guidelines, 2015. Collection method: clinical testing. Allele origin: germline. Affected: yes.
Comment: Based on the classification scheme VCGS_Germline_v1.3.4, this variant is classified as Likely pathogenic. Following criteria are met: 0102 - Loss of function is a known mechanism of disease in this gene and is associated with dyskeratosis congenita, autosomal dominant 4 and dyskeratosis congenita, autosomal recessive 5 (MIM#615190), and autosomal dominant pulmonary fibrosis and/or bone marrow failure, telomere-related, 3 (MIM#616373). (I) 0108 - This gene is associated with both recessive and dominant disease. Currently, the genotype-phenotype relationship has not been established (OMIM). (I) 0112 - The condition associated with this gene has incomplete penetrance. Monoallelic pathogenic variants have been reported in asymptomatic family members (PMID: 23329068, 25848748, 35199181). (I) 0115 - Variants in this gene are known to have variable expressivity (OMIM). (I) 0211 - Canonical splice site variant without proven consequence on splicing (no functional evidence available). (SP) 0251 - This variant is heterozygous. (I) 0301 - Variant is absent from gnomAD (both v2 and v3). (SP) 0505 - Abnormal splicing is predicted by in silico tools and affected nucleotide is highly conserved. (SP) 0704 - Another canonical splice variant comparable to the one identified in this case has limited previous evidence for pathogenicity. c.395+1G>T has been reported once as likely pathogenic by a clinical laboratory (ClinVar). (SP) 0807 - This variant has no previous evidence of pathogenicity. (I) 0905 - No published segregation evidence has been identified for this variant. (I) 1007 - No published functional evidence has been identified for this variant. (I) Legend: (SP) - Supporting pathogenic, (I) - Information, (SB) - Supporting benign

Literature cited by the submitters: PubMed 23329068; PubMed 25848748; PubMed 35199181.